The following is an entry in ClinVar:

NM_024809.5(TCTN2):c.1849G>A (p.Val617Ile)

Gene: TCTN2 (tectonic family member 2; plus strand). Cytogenetic location: 12q24.31.
Variant type: single nucleotide variant.
Coding change: c.1849G>A on transcript NM_024809.5 (MANE Select); coding-DNA position 1849, G replaced by A.
Protein change: p.Val617Ile; replaces valine 617 with isoleucine.
Molecular consequence: missense variant.
Genome position (GRCh38, 1-based): chr12:123,706,805, G>A. VCF-style: chr12-123706805-G-A. GRCh37 (hg19) VCF-style: chr12-124191352-G-A.
Other names: c.1849G>A (NM_024809.4, NM_024809.3); c.1846G>A, p.Val616Ile (NM_001143850.3); short protein forms V616I, V617I.
Identifiers: ClinVar variation 1496898 (VCV001496898.8), dbSNP rs376095561, ClinGen allele CA6861360.

ClinVar aggregate classification (germline): Uncertain significance. Review status: criteria provided, multiple submitters, no conflicts (2 of 4 stars). 4 submissions from 4 submitters: Uncertain significance (4). Last evaluated 2025-02-09.

Conditions:
Inborn genetic diseases. Identifiers: MedGen C0950123, MeSH D030342.
Meckel-Gruber syndrome. Also called: DYSENCEPHALIA SPLANCHNOCYSTICA; GRUBER SYNDROME; Dysencephalia splachnocystica. Identifiers: Orphanet 564, MedGen C0265215, MONDO:0018921.
Joubert syndrome. Also called: JOUBERT-BOLTSHAUSER SYNDROME; Familial aplasia of the vermis. Identifiers: Orphanet 475, MedGen C5979921, MONDO:0018772.

Allele frequency attached by ClinVar (database versions not stated): gnomAD 0.00001; gnomAD exomes 0.00003 and 0.00006; TOPMed 0.00003; ExAC 0.00004; ESP Exome Variant Server 0.00008.
gnomAD v4.1: 43 of 1,613,940 alleles (0.0027%); highest among the groups gnomAD compares: South Asian, 0.016%; 1 homozygote.

Submissions (4):

Ambry Genetics
Classification: Uncertain significance for Inborn genetic diseases. Last evaluated: 2025-02-09. Review status: criteria provided, single submitter. Criteria: Ambry Variant Classification Scheme 2023. Collection method: clinical testing. Allele origin: germline.

Labcorp Genetics (formerly Invitae), Labcorp
Classification: Uncertain significance for Joubert syndrome; Meckel-Gruber syndrome. Last evaluated: 2024-12-02. Review status: criteria provided, single submitter. Criteria: Invitae Variant Classification Sherloc (09022015). Collection method: clinical testing. Allele origin: germline.
Comment: This sequence change replaces valine, which is neutral and non-polar, with isoleucine, which is neutral and non-polar, at codon 617 of the TCTN2 protein (p.Val617Ile). This variant is present in population databases (rs376095561, gnomAD 0.02%). This variant has not been reported in the literature in individuals affected with TCTN2-related conditions. ClinVar contains an entry for this variant (Variation ID: 1496898). Invitae Evidence Modeling of protein sequence and biophysical properties (such as structural, functional, and spatial information, amino acid conservation, physicochemical variation, residue mobility, and thermodynamic stability) indicates that this missense variant is expected to disrupt TCTN2 protein function with a positive predictive value of 80%. In summary, the available evidence is currently insufficient to determine the role of this variant in disease. Therefore, it has been classified as a Variant of Uncertain Significance.

GeneDx
Classification: Uncertain significance. Last evaluated: 2023-05-11. Review status: criteria provided, single submitter. Criteria: GeneDx Variant Classification Process June 2021. Collection method: clinical testing. Allele origin: germline. Affected: yes.
Comment: In silico analysis supports that this missense variant does not alter protein structure/function; Has not been previously published as pathogenic or benign to our knowledge

Blueprint Genetics
Classification: Uncertain significance. Last evaluated: 2021-12-28. Review status: criteria provided, single submitter. Criteria: ACMG Guidelines, 2015. Collection method: clinical testing. Allele origin: germline.